The following is an entry in ClinVar:

ClinVar aggregate classification (germline): Conflicting classifications of pathogenicity. Review status: criteria provided, conflicting classifications (1 of 4 stars). 2 submissions from 2 submitters: Uncertain significance (1); Benign (1). Last evaluated 2026-06-26.

Conditions:
Kabuki syndrome. Also called: NIIKAWA-KUROKI SYNDROME; Kabuki make-up syndrome. Identifiers: Orphanet 2322, MedGen C0796004, MONDO:0016512.
KMT2D-related disorder. Also called: KMT2D-Related Disorders.

Allele frequency attached by ClinVar (database versions not stated): gnomAD 0.00001; gnomAD exomes 0.00001; TOPMed 0.00003; ExAC 0.00005.

Submissions (2):

PreventionGenetics, part of Exact Sciences
Classification: Uncertain significance for KMT2D-related condition. Last evaluated: 2026-06-26. Review status: criteria provided, single submitter. Criteria: ACMG Guidelines, 2015. Collection method: clinical testing. Allele origin: germline.
Comment: The KMT2D c.2654C>T variant is predicted to result in the amino acid substitution p.Pro885Leu. This variant has been reported in an individual with Kabuki syndrome (Cocciadiferro et al. 2018. PubMed ID: 30107592). This variant is reported in 0.023% of alleles in individuals of Latino descent (8 alleles globally) in gnomAD v2 (as displayed in the table above). However, in gnomAD v4 (available only on GRCh38), this variant is reported in 0.014% of alleles in individuals of Admixed American descent and in 17 alleles globally. This population data is not consistent with this variant being a highly penetrant cause of disease. Although we suspect that this variant may be benign, the clinical significance of this variant is classified as uncertain at this time due to insufficient functional and genetic evidence.

Labcorp Genetics (formerly Invitae), Labcorp
Classification: Benign for Kabuki syndrome. Last evaluated: 2025-12-13. Review status: criteria provided, single submitter. Criteria: Invitae Variant Classification Sherloc (09022015). Collection method: clinical testing. Allele origin: germline.

NM_003482.4(KMT2D):c.2654C>T (p.Pro885Leu)

Gene: KMT2D (lysine methyltransferase 2D; minus strand). Cytogenetic location: 12q13.12.
Variant type: single nucleotide variant.
Coding change: c.2654C>T on transcript NM_003482.4 (MANE Select); coding-DNA position 2654, C replaced by T.
Protein change: p.Pro885Leu; replaces proline 885 with leucine.
Molecular consequence: missense variant.
Genome position (GRCh38, 1-based): chr12:49,051,029, G>A on the plus strand (C>T on the coding strand, the complement: KMT2D is on the minus strand). VCF-style: chr12-49051029-G-A. GRCh37 (hg19) VCF-style: chr12-49444812-G-A.
Other names: short protein forms P885L.
Identifiers: ClinVar variation 2724047 (VCV002724047.4), dbSNP rs775553446, ClinGen allele CA6548214.